The following is an entry in ClinVar:

ClinVar aggregate classification (germline): Uncertain significance (1 of 4 stars; one submission).

Submission:

Labcorp Genetics (formerly Invitae), Labcorp
Classification: Uncertain significance. Last evaluated: 2025-04-01. Review status: criteria provided, single submitter. Criteria: Invitae Variant Classification Sherloc (09022015). Collection method: clinical testing. Allele origin: germline.
Comment: This sequence change replaces glycine, which is neutral and non-polar, with arginine, which is basic and polar, at codon 691 of the OPHN1 protein (p.Gly691Arg). This variant is not present in population databases (gnomAD no frequency). This variant has not been reported in the literature in individuals affected with OPHN1-related conditions. An algorithm developed to predict the effect of missense changes on protein structure and function (PolyPhen-2) suggests that this variant is likely to be disruptive. In summary, the available evidence is currently insufficient to determine the role of this variant in disease. Therefore, it has been classified as a Variant of Uncertain Significance.

NM_002547.3(OPHN1):c.2071G>A (p.Gly691Arg)

Gene: OPHN1 (oligophrenin 1; minus strand). Cytogenetic location: Xq12.
Variant type: single nucleotide variant.
Coding change: c.2071G>A on transcript NM_002547.3 (MANE Select); coding-DNA position 2071, G replaced by A.
Protein change: p.Gly691Arg; replaces glycine 691 with arginine.
Molecular consequence: missense variant. On other transcripts: intron variant (1).
Genome position (GRCh38, 1-based): chrX:68,063,941, C>T on the plus strand (G>A on the coding strand, the complement: OPHN1 is on the minus strand). VCF-style: chrX-68063941-C-T. GRCh37 (hg19) VCF-style: chrX-67283783-C-T.
Other names: c.1834+9211G>A (NM_001437258.1); short protein forms G691R.
Identifiers: ClinVar variation 4716485 (VCV004716485.1).